The following is an entry in ClinVar:

ClinVar aggregate classification (germline): Pathogenic/Likely pathogenic. Review status: criteria provided, multiple submitters, no conflicts (2 of 4 stars). 3 submissions from 3 submitters: Pathogenic (2); Likely pathogenic (1). Last evaluated 2026-05-29.

Conditions:
Retinoblastoma (RB1). Also called: RETINOBLASTOMA, SOMATIC. Identifiers: Orphanet 790, MedGen C0035335, MeSH D012175, MONDO:0008380, OMIM 180200, HP:0009919. Disease mechanism: loss of function. Inheritance: Both sporadic and heritable forms are tested..

Submissions (3):

Diller/Parad Lab, Dana-Farber/Harvard Cancer Center
Classification: Likely pathogenic for Retinoblastoma. Last evaluated: 2026-05-29. Review status: criteria provided, single submitter. Criteria: ACMG Guidelines, 2015. Collection method: research. Allele origin: germline. Affected: yes.
Comment: It has been classified as Likely Pathogenic using Richards et al (PMID:25741868) based on the following evidence codes: PM2, PVS1.

Genetic Diagnostic Laboratory, University of Pennsylvania School of Medicine
Classification: Pathogenic for Retinoblastoma. Last evaluated: 2024-05-20. Review status: criteria provided, single submitter. Criteria: ACMG Guidelines, 2015. Collection method: clinical testing. Allele origin: germline. Affected: yes. Observed: 1 variant allele.
Comment: Case and Pedigree Information: BILATERAL CASES:1, UNILATERAL CASES:0, TOTAL CASES:1, PEDIGREES:1. ACMG Codes Applied:PVS1, PM2

Labcorp Genetics (formerly Invitae), Labcorp
Classification: Pathogenic for Retinoblastoma. Last evaluated: 2023-10-13. Review status: criteria provided, single submitter. Criteria: Invitae Variant Classification Sherloc (09022015). Collection method: clinical testing. Allele origin: germline.
Comment: This sequence change creates a premature translational stop signal (p.Tyr321*) in the RB1 gene. It is expected to result in an absent or disrupted protein product. Loss-of-function variants in RB1 are known to be pathogenic (PMID: 17096365). This variant is not present in population databases (gnomAD no frequency). This premature translational stop signal has been observed in individual(s) with retinoblastoma (PMID: 12541220, 24791139). ClinVar contains an entry for this variant (Variation ID: 1453493). Algorithms developed to predict the effect of sequence changes on RNA splicing suggest that this variant may disrupt the consensus splice site. For these reasons, this variant has been classified as Pathogenic.

Literature cited by the submitters: PubMed 17096365 (cited by Labcorp Genetics (formerly Invitae), Labcorp); PubMed 12541220 (cited by Labcorp Genetics (formerly Invitae), Labcorp); PubMed 24791139 (cited by Labcorp Genetics (formerly Invitae), Labcorp).

NM_000321.3(RB1):c.963C>G (p.Tyr321Ter)

Gene: RB1 (RB transcriptional corepressor 1; plus strand). Cytogenetic location: 13q14.2.
Variant type: single nucleotide variant.
Coding change: c.963C>G on transcript NM_000321.3 (MANE Select); coding-DNA position 963, C replaced by G.
Protein change: p.Tyr321Ter; replaces tyrosine 321 with a stop codon.
Molecular consequence: nonsense.
Genome position (GRCh38, 1-based): chr13:48,367,517, C>G. VCF-style: chr13-48367517-C-G. GRCh37 (hg19) VCF-style: chr13-48941653-C-G.
Other names: short protein forms Y321*.
Identifiers: ClinVar variation 1453493 (VCV001453493.10), dbSNP rs377235036, ClinGen allele CA388160645.
Genomic context (GRCh38, chr13:48,367,517, plus strand): 5'-TGTAAAGGATAATTGTCAGTGACTTTTTTCTTTCAAGGTTGAAAATCTTTCTAAACGATA[C>G]GAAGAAATTTATCTTAAAAATAAAGATCTAGATGCAAGATTATTTTTGGATCATGATAAA-3'